The following is an entry in ClinVar:

ClinVar aggregate classification (germline): Benign. Review status: criteria provided, multiple submitters, no conflicts (2 of 4 stars). 8 submissions from 8 submitters: Benign (6). 2 of the submissions do not count toward it. Last evaluated 2026-02-03.

Conditions:
Cardiovascular phenotype. Identifiers: MedGen CN230736.
Catecholaminergic polymorphic ventricular tachycardia 1. Also called: RYR2-Related Catecholaminergic Polymorphic Ventricular Tachycardia; VENTRICULAR TACHYCARDIA, STRESS-INDUCED POLYMORPHIC 1; VENTRICULAR TACHYCARDIA, CATECHOLAMINERGIC POLYMORPHIC, 1, WITH OR WITHOUT ATRIAL DYSFUNCTION AND/OR DILATED CARDIOMYOPATHY. Identifiers: Orphanet 3286, MedGen C1631597, MONDO:0011484, OMIM 604772.

Allele frequency attached by ClinVar (database versions not stated): gnomAD exomes 0.00093 and 0.00274; ExAC 0.00338; gnomAD 0.01016 and 0.01092; 1000 Genomes Project 0.01138; ESP Exome Variant Server 0.01142; TOPMed 0.01169; 1000 Genomes Project 30x 0.01202.
gnomAD v4.1: 2,981 of 1,609,492 alleles (0.19%); highest among the groups gnomAD compares: African/African-American, 3.5%; 61 homozygotes.

Submissions (8):

Labcorp Genetics (formerly Invitae), Labcorp
Classification: Benign for Catecholaminergic polymorphic ventricular tachycardia 1. Last evaluated: 2026-02-03. Review status: criteria provided, single submitter. Criteria: Invitae Variant Classification Sherloc (09022015). Collection method: clinical testing. Allele origin: germline.

ARUP Laboratories, Molecular Genetics and Genomics, ARUP Laboratories
Classification: Benign. Last evaluated: 2025-07-08. Review status: criteria provided, single submitter. Criteria: ARUP Molecular Germline Variant Investigation Process 2024. Collection method: clinical testing. Allele origin: germline.

Women's Health and Genetics/Laboratory Corporation of America, LabCorp
Classification: Benign. Last evaluated: 2019-08-26. Review status: criteria provided, single submitter. Criteria: LabCorp Variant Classification Summary - May 2015. Collection method: clinical testing. Allele origin: germline.
Comment: Variant summary: RYR2 c.6440+20C>T alters a non-conserved nucleotide located close to a canonical splice site and therefore could affect mRNA splicing, leading to a significantly altered protein sequence. 5/5 computational tools predict no significant impact on normal splicing. However, these predictions have yet to be confirmed by functional studies. The variant allele was found at a frequency of 0.0027 in 243510 control chromosomes, predominantly at a frequency of 0.039 within the African or African-American subpopulation in the gnomAD database, including 19 homozygotes. The observed variant frequency within African or African-American control individuals in the gnomAD database is approximately 1559.98 fold of the estimated maximal expected allele frequency for a pathogenic variant in RYR2 causing Cardiomyopathy phenotype (2.5e-05), strongly suggesting that the variant is a benign polymorphism found primarily in populations of African or African-American origin. To our knowledge, no occurrence of c.6440+20C>T in individuals affected with Cardiomyopathy and no experimental evidence demonstrating its impact on protein function have been reported. No clinical diagnostic laboratories have submitted clinical-significance assessments for this variant to ClinVar after 2014. Based on the evidence outlined above, the variant was classified as benign.

Ambry Genetics
Classification: Benign for Cardiovascular phenotype. Last evaluated: 2014-12-08. Review status: criteria provided, single submitter. Criteria: Ambry Variant Classification Scheme 2023. Collection method: clinical testing. Allele origin: germline.

GeneDx
Classification: Benign. Last evaluated: 2013-10-29. Review status: criteria provided, single submitter. Criteria: GeneDx Variant Classification (06012015). Collection method: clinical testing. Allele origin: germline. Affected: yes.
Comment: This variant is considered likely benign or benign based on one or more of the following criteria: it is a conservative change, it occurs at a poorly conserved position in the protein, it is predicted to be benign by multiple in silico algorithms, and/or has population frequency not consistent with disease.

Breakthrough Genomics
Classification: Benign. Review status: criteria provided, single submitter. Criteria: ACMG Guidelines, 2015. Collection method: not provided. Allele origin: germline. Inheritance: Autosomal dominant inheritance. Affected: yes.

Clinical Genetics, Academic Medical Center
Classification: Benign. Review status: no assertion criteria provided. Collection method: clinical testing. Allele origin: germline. Affected: yes. Study: VKGL Data-share Consensus. Not counted in ClinVar's aggregate classification.

Diagnostic Laboratory, Department of Genetics, University Medical Center Groningen
Classification: Likely benign. Review status: no assertion criteria provided. Collection method: clinical testing. Allele origin: germline. Affected: yes. Study: VKGL Data-share Consensus. Not counted in ClinVar's aggregate classification.

NM_001035.3(RYR2):c.6440+20C>T

Gene: RYR2 (ryanodine receptor 2; plus strand). Cytogenetic location: 1q43.
Variant type: single nucleotide variant.
Coding change: c.6440+20C>T on transcript NM_001035.3 (MANE Select); 20 bases into the intron after coding-DNA position 6440, C replaced by T.
Molecular consequence: intron variant.
Genome position (GRCh38, 1-based): chr1:237,628,100, C>T. VCF-style: chr1-237628100-C-T. GRCh37 (hg19) VCF-style: chr1-237791400-C-T.
Other names: c.6440+20C>T (LRG_402t1).
Identifiers: ClinVar variation 138947 (VCV000138947.27), dbSNP rs115755128, ClinGen allele CA010142.